The following is an entry in ClinVar:

NM_001012426.2(FOXP4):c.456G>A (p.Gln152=)

Gene: FOXP4 (forkhead box P4; plus strand). Cytogenetic location: 6p21.1.
Variant type: single nucleotide variant.
Coding change: c.456G>A on transcript NM_001012426.2 (MANE Select); coding-DNA position 456, G replaced by A.
Protein change: p.Gln152=; no amino-acid change (glutamine 152 retained).
Molecular consequence: synonymous variant.
Genome position (GRCh38, 1-based): chr6:41,585,463, G>A. VCF-style: chr6-41585463-G-A. GRCh37 (hg19) VCF-style: chr6-41553201-G-A.
Other names: c.450G>A, p.Gln150= (NM_001012427.2); c.456G>A, p.Gln152= (NM_138457.3).
Identifiers: ClinVar variation 715573 (VCV000715573.28), dbSNP rs148022939, ClinGen allele CA3800408.

ClinVar aggregate classification (germline): Benign/Likely benign. Review status: criteria provided, multiple submitters, no conflicts (2 of 4 stars). 3 submissions from 3 submitters: Benign (1); Likely benign (2). Last evaluated 2026-03-01.

Allele frequency attached by ClinVar (database versions not stated): 1000 Genomes Project 30x 0.00016; 1000 Genomes Project 0.00020; gnomAD 0.00079 and 0.00084; gnomAD exomes 0.00084; ExAC 0.00086; ESP Exome Variant Server 0.00092; TOPMed 0.00096.
gnomAD v4.1: 1,915 of 1,613,908 alleles (0.12%); highest among the groups gnomAD compares: Admixed American, 0.18%; 1 homozygote.

Submissions (3):

CeGaT Center for Human Genetics Tuebingen
Classification: Likely benign. Last evaluated: 2026-03-01. Review status: criteria provided, single submitter. Criteria: CeGaT Center For Human Genetics Tuebingen Variant Classification Criteria Version 2. Collection method: clinical testing. Allele origin: germline. Affected: yes. Observed: 2 variant alleles.
Comment: FOXP4: BP4, BP7

Blueprint Genetics
Classification: Likely benign. Last evaluated: 2024-11-20. Review status: criteria provided, single submitter. Criteria: ACMG Guidelines, 2015. Collection method: clinical testing. Allele origin: germline.

Labcorp Genetics (formerly Invitae), Labcorp
Classification: Benign. Last evaluated: 2018-10-11. Review status: criteria provided, single submitter. Criteria: Invitae Variant Classification Sherloc (09022015). Collection method: clinical testing. Allele origin: germline.